The following is an entry in ClinVar:

ClinVar aggregate classification (germline): Uncertain significance (1 of 4 stars; one submission).

Submission:

GeneDx
Classification: Uncertain significance. Last evaluated: 2026-09-08. Review status: criteria provided, single submitter. Criteria: GeneDx Variant Classification Process June 2021. Collection method: clinical testing. Allele origin: germline.
Comment: Not observed at significant frequency in large population cohorts (gnomAD); In-frame deletion of 2 amino acids in a non-repeat region; In silico analysis supports a deleterious effect on protein structure/function; Has not been previously published as pathogenic or benign to our knowledge

NM_001303052.2(MYT1L):c.456_461del (p.Glu166_Glu167del)

Gene: MYT1L (myelin transcription factor 1 like; minus strand). Cytogenetic location: 2p25.3.
Variant type: Deletion.
Coding change: c.456_461del on transcript NM_001303052.2 (MANE Select); coding-DNA positions 456 to 461, 6 bases deleted (AGAAGA; older notation c.456_461delAGAAGA).
Protein change: p.Glu166_Glu167del.
Genome position (GRCh38, 1-based): chr2:1,943,026-1,943,031, TCTTCT deleted on the plus strand (AGAAGA on the coding strand, the reverse complement: MYT1L is on the minus strand); deleting any 6 consecutive bases within chr2:1,943,026-1,943,033 gives the same sequence; the c. name uses the placement nearest the transcript's 3' end. VCF-style (leftmost placement, unchanged base first): chr2-1943025-CTCTTCT-C. GRCh37 (hg19) VCF-style: chr2-1946797-CTCTTCT-C.
Other names: c.456_461del, p.Glu166_Glu167del (NM_001329844.2, NM_001329845.1, NM_001329846.3 and 6 more transcripts).
Identifiers: ClinVar variation 3764438 (VCV003764438.2).